The following is an entry in ClinVar:

ClinVar aggregate classification (germline): Uncertain significance. Review status: criteria provided, multiple submitters, no conflicts (2 of 4 stars). 5 submissions from 5 submitters: Uncertain significance (5). Last evaluated 2025-12-29.

Conditions:
ALPK3-associated recessive cardiomyopathy.
Cardiovascular phenotype. Identifiers: MedGen CN230736.

Allele frequency attached by ClinVar (database versions not stated): gnomAD exomes 0.00002 and 0.00005; ExAC 0.00003; gnomAD 0.00004 and 0.00005; TOPMed 0.00004.
gnomAD v4.1: 50 of 1,613,744 alleles (0.0031%); highest among the groups gnomAD compares: African/African-American, 0.0013%; no homozygotes.

Submissions (5):

Labcorp Genetics (formerly Invitae), Labcorp
Classification: Uncertain significance. Last evaluated: 2025-12-29. Review status: criteria provided, single submitter. Criteria: Invitae Variant Classification Sherloc (09022015). Collection method: clinical testing. Allele origin: germline.
Comment: This sequence change replaces arginine, which is basic and polar, with tryptophan, which is neutral and slightly polar, at codon 732 of the ALPK3 protein (p.Arg732Trp). This variant is present in population databases (rs748152747, gnomAD 0.1%). This variant has not been reported in the literature in individuals affected with ALPK3-related conditions. ClinVar contains an entry for this variant (Variation ID: 1206975). Invitae Evidence Modeling of protein sequence and biophysical properties (such as structural, functional, and spatial information, amino acid conservation, physicochemical variation, residue mobility, and thermodynamic stability) indicates that this missense variant is expected to disrupt ALPK3 protein function with a positive predictive value of 80%. In summary, the available evidence is currently insufficient to determine the role of this variant in disease. Therefore, it has been classified as a Variant of Uncertain Significance.

Blueprint Genetics
Classification: Uncertain significance. Last evaluated: 2024-08-30. Review status: criteria provided, single submitter. Criteria: ACMG Guidelines, 2015. Collection method: clinical testing. Allele origin: germline.

Ambry Genetics
Classification: Uncertain significance for Cardiovascular phenotype. Last evaluated: 2023-10-11. Review status: criteria provided, single submitter. Criteria: Ambry Variant Classification Scheme 2023. Collection method: clinical testing. Allele origin: germline.
Comment: The p.R732W variant (also known as c.2194C>T), located in coding exon 5 of the ALPK3 gene, results from a C to T substitution at nucleotide position 2194. The arginine at codon 732 is replaced by tryptophan, an amino acid with dissimilar properties. This amino acid position is highly conserved in available vertebrate species. In addition, the in silico prediction for this alteration is inconclusive. Since supporting evidence is limited at this time, the clinical significance of this alteration remains unclear.

GeneDx
Classification: Uncertain significance. Last evaluated: 2023-01-13. Review status: criteria provided, single submitter. Criteria: GeneDx Variant Classification Process June 2021. Collection method: clinical testing. Allele origin: germline. Affected: yes.
Comment: In silico analysis supports that this missense variant has a deleterious effect on protein structure/function; Has not been previously published as pathogenic or benign to our knowledge

Clinical Genomics Laboratory, Stanford Medicine
Classification: Uncertain significance for ALPK3-associated recessive cardiomyopathy. Last evaluated: 2022-06-20. Review status: criteria provided, single submitter. Criteria: ACMG Guidelines, 2015. Collection method: clinical testing. Allele origin: germline. Observed: 1 variant allele, 1 heterozygote.
Comment: The p.Arg530Trp variant in the ALPK3 gene has not been previously reported in association with disease. This variant has been identified in 10/10,008 Ashkenazi Jewish chromosomes by the Genome Aggregation Database. This variant is present in ClinVar (Accession: VCV001206975.13). Computational tools predict that this variant is neither deleterious nor benign; however, the accuracy of in silico algorithms is limited. These data were assessed using the ACMG/AMP variant interpretation guidelines. In summary, the significance of the p.Arg530Trp variant is uncertain. Additional information is needed to resolve the significance of this variant. [ACMG evidence codes used: BS1_supporting]

NM_020778.5(ALPK3):c.1588C>T (p.Arg530Trp)

Genes: ALPK3 (alpha kinase 3; plus strand), LOC111718493 (skeletal muscle cis-regulatory module overlapping ALPK3; plus strand). Cytogenetic location: 15q25.3.
Variant type: single nucleotide variant.
Coding change: c.1588C>T on transcript NM_020778.5 (MANE Select); coding-DNA position 1588, C replaced by T.
Protein change: p.Arg530Trp; replaces arginine 530 with tryptophan.
Molecular consequence: missense variant.
Genome position (GRCh38, 1-based): chr15:84,840,867, C>T. VCF-style: chr15-84840867-C-T. GRCh37 (hg19) VCF-style: chr15-85384098-C-T.
Other names: short protein forms R530W.
Identifiers: ClinVar variation 1206975 (VCV001206975.15), dbSNP rs748152747, ClinGen allele CA7709224.